The following is an entry in ClinVar:

ClinVar aggregate classification (germline): Uncertain significance. Review status: criteria provided, multiple submitters, no conflicts (2 of 4 stars). 2 submissions from 2 submitters: Uncertain significance (2). Last evaluated 2026-05-27.

Conditions:
Cardiovascular phenotype. Identifiers: MedGen CN230736.

Allele frequency attached by ClinVar (database versions not stated): gnomAD exomes below 0.00001.
gnomAD v4.1: 2 of 1,613,764 alleles (0.00012%); highest among the groups gnomAD compares: East Asian, 0.0045%; no homozygotes.

Submissions (2):

Ambry Genetics
Classification: Uncertain significance for Cardiovascular phenotype. Last evaluated: 2026-05-27. Review status: criteria provided, single submitter. Criteria: Ambry Variant Classification Scheme 2023. Collection method: clinical testing. Allele origin: germline.
Comment: The c.1069C>A (p.Q357K) alteration is located in exon 5 (coding exon 5) of the ALPK3 gene. This alteration results from a C to A substitution at nucleotide position 1069, causing the glutamine (Q) at amino acid position 357 to be replaced by a lysine (K). Based on data from gnomAD, the A allele has an overall frequency of <0.001% (1/250716) total alleles studied. The highest observed frequency was 0.005% (1/18380) of East Asian alleles. Based on insufficient or conflicting evidence, the clinical significance of this alteration remains unclear.

Labcorp Genetics (formerly Invitae), Labcorp
Classification: Uncertain significance. Last evaluated: 2023-09-25. Review status: criteria provided, single submitter. Criteria: Invitae Variant Classification Sherloc (09022015). Collection method: clinical testing. Allele origin: germline.
Comment: This sequence change replaces glutamine, which is neutral and polar, with lysine, which is basic and polar, at codon 357 of the ALPK3 protein (p.Gln357Lys). This variant is present in population databases (no rsID available, gnomAD 0.006%). This variant has not been reported in the literature in individuals affected with ALPK3-related conditions. An algorithm developed to predict the effect of missense changes on protein structure and function (PolyPhen-2) suggests that this variant is likely to be tolerated. In summary, the available evidence is currently insufficient to determine the role of this variant in disease. Therefore, it has been classified as a Variant of Uncertain Significance.

NM_020778.5(ALPK3):c.463C>A (p.Gln155Lys)

Gene: ALPK3 (alpha kinase 3; plus strand). Cytogenetic location: 15q25.3.
Variant type: single nucleotide variant.
Coding change: c.463C>A on transcript NM_020778.5 (MANE Select); coding-DNA position 463, C replaced by A.
Protein change: p.Gln155Lys; replaces glutamine 155 with lysine.
Molecular consequence: missense variant.
Genome position (GRCh38, 1-based): chr15:84,839,742, C>A. VCF-style: chr15-84839742-C-A. GRCh37 (hg19) VCF-style: chr15-85382973-C-A.
Other names: c.1069C>A (NM_020778.4); short protein forms Q155K.
Identifiers: ClinVar variation 2979459 (VCV002979459.4), dbSNP rs1316134526, ClinGen allele CA393372524.
Genomic context (GRCh38, chr15:84,839,742, plus strand): 5'-CCTCCCGCTCCTACCTCTAGGTGTCGAGAAGAAGATGCCGCCATCTACCAGGCCTCTGCC[C>A]AGAACAGCAAGGGCATTGTGTCCTGCTCAGGGGTCCTGGAGGTGGGCACCATGACTGAGT-3'
Protein context (NP_065829.4, residues 145-165): EDAAIYQASA[Gln155Lys]NSKGIVSCSG